The following is an entry in ClinVar:

ClinVar aggregate classification (germline): Likely benign. Review status: criteria provided, multiple submitters, no conflicts (2 of 4 stars). 2 submissions from 2 submitters: Likely benign (2). Last evaluated 2025-05-22.

Conditions:
Congenital muscular dystrophy due to integrin alpha-7 deficiency. Also called: Congenital muscular dystrophy with integrin alpha-7 deficiency; Muscular dystrophy, congenital, due to ITGA7 deficiency; MYOPATHY, CONGENITAL, DUE TO INTEGRIN ALPHA-7 DEFICIENCY. Identifiers: Orphanet 34520, MedGen C2750786, MONDO:0013177, OMIM 613204.

Allele frequency attached by ClinVar (database versions not stated): gnomAD 0.00005 and 0.00009; TOPMed 0.00006; gnomAD exomes 0.00010 and 0.00021; ExAC 0.00021.
gnomAD v4.1: 158 of 1,614,062 alleles (0.0098%); highest among the groups gnomAD compares: South Asian, 0.11%; no homozygotes.

Submissions (2):

Labcorp Genetics (formerly Invitae), Labcorp
Classification: Likely benign for Congenital muscular dystrophy due to integrin alpha-7 deficiency. Last evaluated: 2025-05-22. Review status: criteria provided, single submitter. Criteria: Invitae Variant Classification Sherloc (09022015). Collection method: clinical testing. Allele origin: germline.

CeGaT Center for Human Genetics Tuebingen
Classification: Likely benign. Last evaluated: 2024-12-01. Review status: criteria provided, single submitter. Criteria: CeGaT Center For Human Genetics Tuebingen Variant Classification Criteria Version 2. Collection method: clinical testing. Allele origin: germline. Affected: yes. Observed: 1 variant allele.
Comment: ITGA7: BP4, BP7

NM_002206.3(ITGA7):c.1680C>T (p.Thr560=)

Gene: ITGA7 (integrin subunit alpha 7; minus strand). Cytogenetic location: 12q13.2.
Variant type: single nucleotide variant.
Coding change: c.1680C>T on transcript NM_002206.3 (MANE Select); coding-DNA position 1680, C replaced by T.
Protein change: p.Thr560=; no amino-acid change (threonine 560 retained).
Molecular consequence: synonymous variant.
Genome position (GRCh38, 1-based): chr12:55,696,956, G>A on the plus strand (C>T on the coding strand, the complement: ITGA7 is on the minus strand). VCF-style: chr12-55696956-G-A. GRCh37 (hg19) VCF-style: chr12-56090740-G-A.
Other names: c.1692C>T, p.Thr564= (NM_001144996.2); c.1401C>T, p.Thr467= (NM_001144997.2); c.1353C>T, p.Thr451= (NM_001367993.1); c.336C>T, p.Thr112= (NM_001367994.1); c.1662C>T, p.Thr554= (NM_001374465.1); c.1812C>T, p.Thr604= (NM_001410977.1); c.1674C>T, p.Thr558= (NM_001414029.1); c.1605C>T, p.Thr535= (NM_001414030.1); and 5 more.
Identifiers: ClinVar variation 309788 (VCV000309788.24), dbSNP rs760968207, ClinGen allele CA6615861.